The following is an entry in ClinVar:

ClinVar aggregate classification (germline): Conflicting classifications of pathogenicity. Review status: criteria provided, conflicting classifications (1 of 4 stars). 3 submissions from 3 submitters: Uncertain significance (1); Likely benign (1). 1 of the submissions does not count toward it. Last evaluated 2024-02-01.

Conditions:
Ichthyosis vulgaris. Also called: Dominant ichthyosis vulgaris; ICHTHYOSIS SIMPLEX. Identifiers: MedGen C0079584, MONDO:0024304, OMIM 146700.

Allele frequency attached by ClinVar (database versions not stated): ExAC 0.00046; gnomAD 0.00047 and 0.00049; TOPMed 0.00048; gnomAD exomes 0.00056; ESP Exome Variant Server 0.00069.
gnomAD v4.1: 588 of 1,613,710 alleles (0.036%); highest among the groups gnomAD compares: Admixed American, 0.03%; 2 homozygotes.

Submissions (3):

CeGaT Center for Human Genetics Tuebingen
Classification: Likely benign. Last evaluated: 2024-02-01. Review status: criteria provided, single submitter. Criteria: CeGaT Center For Human Genetics Tuebingen Variant Classification Criteria Version 2. Collection method: clinical testing. Allele origin: germline. Affected: yes. Observed: 1 variant allele.
Comment: FLG: BP4

Breakthrough Genomics
Classification: Uncertain significance. Review status: criteria provided, single submitter. Criteria: ACMG Guidelines, 2015. Collection method: not provided. Allele origin: germline. Inheritance: Autosomal recessive inheritance. Affected: yes.

Baylor Genetics
Classification: Uncertain significance for Ichthyosis vulgaris. Last evaluated: 2014-10-20. Review status: no assertion criteria provided. Collection method: clinical testing. Allele origin: unknown. Inheritance: Autosomal dominant inheritance. Observed: 9 variant alleles, 9 heterozygotes. Not counted in ClinVar's aggregate classification.

NM_002016.2(FLG):c.4279G>A (p.Ala1427Thr)

Genes: CCDST (cervical cancer associated DHX9 suppressive transcript; plus strand), FLG (filaggrin; minus strand). Cytogenetic location: 1q21.3.
Variant type: single nucleotide variant.
Coding change: c.4279G>A on transcript NM_002016.2 (MANE Select); coding-DNA position 4279, G replaced by A.
Protein change: p.Ala1427Thr; replaces alanine 1427 with threonine.
Molecular consequence: missense variant.
Genome position (GRCh38, 1-based): chr1:152,310,607, C>T on the plus strand (G>A on the coding strand, the complement: FLG is on the minus strand). VCF-style: chr1-152310607-C-T. GRCh37 (hg19) VCF-style: chr1-152283083-C-T.
Other names: short protein forms A1427T.
Identifiers: ClinVar variation 374307 (VCV000374307.25), dbSNP rs148844389, ClinGen allele CA1106300.